The following is an entry in ClinVar:

NM_001206927.2(DNAH8):c.13826C>T (p.Ser4609Leu)

Gene: DNAH8 (dynein axonemal heavy chain 8; plus strand). Cytogenetic location: 6p21.2.
Variant type: single nucleotide variant.
Coding change: c.13826C>T on transcript NM_001206927.2 (MANE Select); coding-DNA position 13826, C replaced by T.
Protein change: p.Ser4609Leu; replaces serine 4609 with leucine.
Molecular consequence: missense variant.
Genome position (GRCh38, 1-based): chr6:39,026,657, C>T. VCF-style: chr6-39026657-C-T. GRCh37 (hg19) VCF-style: chr6-38994433-C-T.
Other names: c.13826C>T (NM_001206927.1); c.13175C>T, p.Ser4392Leu (NM_001371.4); short protein forms S4392L, S4609L.
Identifiers: ClinVar variation 4740399 (VCV004740399.2).
Genomic context (GRCh38, chr6:39,026,657, plus strand): 5'-CACTGGACACTGTGACCATCCACAATGAAGTTCTGAGACAGACCAAGGAGGAGATCACGT[C>T]ACCCCCTGGGGTAGGCGTTGCTGGGCAATAGCAGGGACCATTCTGGAGCCAGAGCTGAAA-3'
Protein context (NP_001193856.1, residues 4599-4619): VLRQTKEEIT[Ser4609Leu]PPGEGVYIYG

ClinVar aggregate classification (germline): Uncertain significance. Review status: criteria provided, multiple submitters, no conflicts (2 of 4 stars). 2 submissions from 2 submitters: Uncertain significance (2). Last evaluated 2025-12-16.

Conditions:
Primary ciliary dyskinesia. Also called: Ciliary dyskinesia. Identifiers: Orphanet 244, MedGen C0008780, MONDO:0016575, HP:0012265.

gnomAD v4.1: 14 of 1,613,326 alleles (0.00087%); highest among the groups gnomAD compares: Non-Finnish European, 0.0012%; no homozygotes.

Submissions (2):

Ambry Genetics
Classification: Uncertain significance. Last evaluated: 2025-12-16. Review status: criteria provided, single submitter. Criteria: Ambry Variant Classification Scheme 2023. Collection method: clinical testing. Allele origin: germline.

Labcorp Genetics (formerly Invitae), Labcorp
Classification: Uncertain significance for Primary ciliary dyskinesia. Last evaluated: 2025-11-03. Review status: criteria provided, single submitter. Criteria: Invitae Variant Classification Sherloc (09022015). Collection method: clinical testing. Allele origin: germline.
Comment: This sequence change replaces serine, which is neutral and polar, with leucine, which is neutral and non-polar, at codon 4609 of the DNAH8 protein (p.Ser4609Leu). This variant is present in population databases (rs765159791, gnomAD 0.002%). This variant has not been reported in the literature in individuals affected with DNAH8-related conditions. Invitae Evidence Modeling of protein sequence and biophysical properties (such as structural, functional, and spatial information, amino acid conservation, physicochemical variation, residue mobility, and thermodynamic stability) indicates that this missense variant is not expected to disrupt DNAH8 protein function with a negative predictive value of 80%. In summary, the available evidence is currently insufficient to determine the role of this variant in disease. Therefore, it has been classified as a Variant of Uncertain Significance.